The following is an entry in ClinVar:

ClinVar aggregate classification (germline): Pathogenic/Likely pathogenic. Review status: criteria provided, multiple submitters, no conflicts (2 of 4 stars). 6 submissions from 6 submitters: Pathogenic (3); Likely pathogenic (1). 2 of the submissions do not count toward it. Last evaluated 2025-11-09.

Conditions:
Hereditary cancer-predisposing syndrome. Also called: Tumor predisposition; Hereditary neoplastic syndrome; Hereditary Cancer Syndrome; Neoplastic Syndromes, Hereditary. Identifiers: Orphanet 140162, MedGen C0027672, MeSH D009386, MONDO:0015356.
POLD1-related polyposis and colorectal cancer syndrome (CRCS10). Also called: Colorectal cancer 10; COLORECTAL CANCER, SUSCEPTIBILITY TO, ON CHROMOSOME 19q; Colorectal cancer, susceptibility to, 10. Identifiers: Orphanet 220460, MedGen C2675481, MONDO:0012953, OMIM 612591.

Submissions (6):

Labcorp Genetics (formerly Invitae), Labcorp
Classification: Pathogenic for POLD1-related polyposis and colorectal cancer syndrome. Last evaluated: 2025-11-09. Review status: criteria provided, single submitter. Criteria: Invitae Variant Classification Sherloc (09022015). Collection method: clinical testing. Allele origin: germline.
Comment: This sequence change replaces leucine, which is neutral and non-polar, with proline, which is neutral and non-polar, at codon 474 of the POLD1 protein (p.Leu474Pro). This variant is not present in population databases (gnomAD no frequency). This missense change has been observed in individual(s) with colorectal cancer, endometrial cancer, breast cancer and gastrointestinal stromal tumor (PMID: 24501277, 26133394, 28306219). It has also been observed to segregate with disease in related individuals. ClinVar contains an entry for this variant (Variation ID: 144003). Invitae Evidence Modeling of protein sequence and biophysical properties (such as structural, functional, and spatial information, amino acid conservation, physicochemical variation, residue mobility, and thermodynamic stability) indicates that this missense variant is expected to disrupt POLD1 protein function with a positive predictive value of 80%. For these reasons, this variant has been classified as Pathogenic.

Ambry Genetics
Classification: Pathogenic for Hereditary cancer-predisposing syndrome. Last evaluated: 2024-06-07. Review status: criteria provided, single submitter. Criteria: Ambry Variant Classification Scheme 2023. Collection method: clinical testing. Allele origin: germline.
Comment: The p.L474P pathogenic mutation (also known as c.1421T>C), located in coding exon 11 of the POLD1 gene, results from a T to C substitution at nucleotide position 1421. The leucine at codon 474 is replaced by proline, an amino acid with similar properties. This variant is located within the highly conserved exonuclease domain of the POLD1 gene. Authors described this alteration as pathogenic, supported by cosegregation in the family, in silico predictions, previously published yeast assays, as well as the fact that this alteration's location is paralogous to the well described residue in POLE where the recurrent p.L424V mutation occurs (Valle L et al. Hum. Mol. Genet. 2014 Jul; 23(13):3506-12). The yeast based functional assay that the authors of Valle et al. describe was performed on the homologous residue (p.L479 Pol3) in yeast, and was shown to cause a mutator phenotype (Murphy K et al. Genome 2006 Apr; 49(4):403-10). This alteration was also shown to segregate with disease in the family (Bellido F et al, Genet. Med. 2015 Jul;2). In addition, this alteration was identified in two Spanish families with colorectal cancer and breast cancer and is suggested to be a Spanish founder mutation. The tumor of one proband, which exhibited MSI and loss of MLH1 and PMS2 on IHC, had two MLH1 mutations. The authors posited that these somatic MLH1 mutations were a consequence of POLD1 inactivation (Ferrer-Avargues R et al. J Gene Med. 2017 Apr;19(4)). Based on the supporting evidence, this alteration is interpreted as a disease-causing mutation.

Myriad Genetics, Inc.
Classification: Likely pathogenic for POLD1-related polyposis and colorectal cancer syndrome. Last evaluated: 2023-04-19. Review status: criteria provided, single submitter. Criteria: Myriad Autosomal Dominant, Autosomal Recessive and X-Linked Classification Criteria (2023). Collection method: clinical testing. Allele origin: unknown.
Comment: This variant is considered likely pathogenic. This variant has been reported in multiple individuals with clinical features of gene-specific disease [PMID: 24501277, 26133394, 28306219]. This variant is expected to disrupt protein structure [Myriad internal data].

Baylor Genetics
Classification: Pathogenic for POLD1-related polyposis and colorectal cancer syndrome. Last evaluated: 2021-11-08. Review status: criteria provided, single submitter. Criteria: ACMG Guidelines, 2015. Collection method: clinical testing. Allele origin: unknown.

Counsyl
Classification: Likely pathogenic for POLD1-related polyposis and colorectal cancer syndrome. Last evaluated: 2016-06-10. Review status: no assertion criteria provided. Collection method: clinical testing. Allele origin: unknown. Not counted in ClinVar's aggregate classification.

OMIM
Classification: risk factor for COLORECTAL CANCER, SUSCEPTIBILITY TO, 10. Last evaluated: 2014-07-01. Review status: no assertion criteria provided. Collection method: literature only. Allele origin: germline. Not counted in ClinVar's aggregate classification.

Literature cited by the submitters: PubMed 24501277 (cited by 5 submitters); PubMed 26133394 (cited by 4 submitters); PubMed 28306219 (cited by Labcorp Genetics (formerly Invitae), Labcorp and Myriad Genetics, Inc.); PubMed 16699561 (cited by 3 submitters).

NM_002691.4(POLD1):c.1421T>C (p.Leu474Pro)

Gene: POLD1 (DNA polymerase delta 1, catalytic subunit; plus strand). Cytogenetic location: 19q13.33.
Variant type: single nucleotide variant.
Coding change: c.1421T>C on transcript NM_002691.4 (MANE Select); coding-DNA position 1421, T replaced by C.
Protein change: p.Leu474Pro; replaces leucine 474 with proline.
Molecular consequence: missense variant. On other transcripts: non-coding transcript variant (1).
Genome position (GRCh38, 1-based): chr19:50,406,444, T>C. VCF-style: chr19-50406444-T-C. GRCh37 (hg19) VCF-style: chr19-50909701-T-C.
Other names: c.1421T>C, p.Leu474Pro (NM_001256849.1, NM_001308632.1); short protein forms L474P.
Identifiers: ClinVar variation 144003 (VCV000144003.16), dbSNP rs587777627, ClinGen allele CA170564.